The following is an entry in ClinVar:

ClinVar aggregate classification (germline): Uncertain significance (1 of 4 stars; one submission).

Conditions:
Hereditary cancer-predisposing syndrome. Also called: Hereditary Cancer Syndrome; Tumor predisposition; Hereditary neoplastic syndrome; Neoplastic Syndromes, Hereditary. Identifiers: Orphanet 140162, MedGen C0027672, MeSH D009386, MONDO:0015356.

Submission:

Ambry Genetics
Classification: Uncertain significance for Hereditary cancer-predisposing syndrome. Last evaluated: 2024-03-25. Review status: criteria provided, single submitter. Criteria: Ambry Variant Classification Scheme 2023. Collection method: clinical testing. Allele origin: germline.
Comment: The p.P512T variant (also known as c.1534C>A), located in coding exon 9 of the BRCA2 gene, results from a C to A substitution at nucleotide position 1534. The proline at codon 512 is replaced by threonine, an amino acid with highly similar properties. This amino acid position is conserved. In addition, this alteration is predicted to be tolerated by in silico analysis. Based on the available evidence, the clinical significance of this alteration remains unclear.

NM_000059.4(BRCA2):c.1534C>A (p.Pro512Thr)

Gene: BRCA2 (BRCA2 DNA repair associated; plus strand). Cytogenetic location: 13q13.1.
Variant type: single nucleotide variant.
Coding change: c.1534C>A on transcript NM_000059.4 (MANE Select); coding-DNA position 1534, C replaced by A.
Protein change: p.Pro512Thr; replaces proline 512 with threonine.
Molecular consequence: missense variant. On other transcripts: non-coding transcript variant (1), intron variant (1).
Genome position (GRCh38, 1-based): chr13:32,333,012, C>A. VCF-style: chr13-32333012-C-A. GRCh37 (hg19) VCF-style: chr13-32907149-C-A.
Other names: c.1534C>A, p.Pro512Thr (NM_001406719.1, NM_001406720.1, NM_001406721.1); c.424+1982C>A (NM_001406722.1); short protein forms P512T.
Identifiers: ClinVar variation 3261574 (VCV003261574.1).